The following is an entry in ClinVar:

NM_006206.6(PDGFRA):c.2152C>T (p.Arg718Trp)

Gene: PDGFRA (platelet derived growth factor receptor alpha; plus strand). Cytogenetic location: 4q12.
Variant type: single nucleotide variant.
Coding change: c.2152C>T on transcript NM_006206.6 (MANE Select); coding-DNA position 2152, C replaced by T.
Protein change: p.Arg718Trp; replaces arginine 718 with tryptophan.
Molecular consequence: missense variant.
Genome position (GRCh38, 1-based): chr4:54,278,511, C>T. VCF-style: chr4-54278511-C-T. GRCh37 (hg19) VCF-style: chr4-55144678-C-T.
Other names: c.2152C>T, p.Arg718Trp (NM_001347827.2, NM_001347829.2); c.2227C>T, p.Arg743Trp (NM_001347828.2); c.2191C>T, p.Arg731Trp (NM_001347830.2); short protein forms R718W, R731W, R743W.
Identifiers: ClinVar variation 459041 (VCV000459041.14), dbSNP rs375434317, ClinGen allele CA2922756.

ClinVar aggregate classification (germline): Conflicting classifications of pathogenicity. Review status: criteria provided, conflicting classifications (1 of 4 stars). 3 submissions from 3 submitters: Uncertain significance (1); Likely benign (2). Last evaluated 2026-06-15.

Conditions:
Hereditary cancer-predisposing syndrome. Also called: Tumor predisposition; Hereditary neoplastic syndrome; Neoplastic Syndromes, Hereditary; Hereditary Cancer Syndrome. Identifiers: Orphanet 140162, MedGen C0027672, MeSH D009386, MONDO:0015356.
Polyps, multiple and recurrent inflammatory fibroid, gastrointestinal. Identifiers: MedGen C5193005, MONDO:0008285, OMIM 175510.
Gastrointestinal stromal tumor. Also called: Gastrointestinal stroma tumor; Gastrointestinal stromal tumor, somatic. Identifiers: Orphanet 44890, MedGen C0238198, MeSH D046152, MONDO:0011719, OMIM 606764, HP:0100723.

Allele frequency attached by ClinVar (database versions not stated): ExAC 0.00002; gnomAD 0.00002 and 0.00004; gnomAD exomes 0.00002; TOPMed 0.00006; ESP Exome Variant Server 0.00008.
gnomAD v4.1: 20 of 1,613,798 alleles (0.0012%); highest among the groups gnomAD compares: East Asian, 0.0045%; no homozygotes.

Submissions (3):

Myriad Genetics, Inc.
Classification: Likely benign for Polyps, multiple and recurrent inflammatory fibroid, gastrointestinal. Last evaluated: 2026-06-15. Review status: criteria provided, single submitter. Criteria: Myriad Autosomal Dominant, Autosomal Recessive and X-Linked Classification Criteria (2023). Collection method: clinical testing. Allele origin: unknown.
Comment: This variant is considered likely benign. This variant has been observed at a population frequency that is significantly greater than expected given the associated disease prevalence and penetrance.

Labcorp Genetics (formerly Invitae), Labcorp
Classification: Uncertain significance for Gastrointestinal stromal tumor. Last evaluated: 2026-01-18. Review status: criteria provided, single submitter. Criteria: Invitae Variant Classification Sherloc (09022015). Collection method: clinical testing. Allele origin: germline.
Comment: This sequence change replaces arginine, which is basic and polar, with tryptophan, which is neutral and slightly polar, at codon 718 of the PDGFRA protein (p.Arg718Trp). This variant is present in population databases (rs375434317, gnomAD 0.003%). This variant has not been reported in the literature in individuals affected with PDGFRA-related conditions. ClinVar contains an entry for this variant (Variation ID: 459041). Invitae Evidence Modeling of protein sequence and biophysical properties (such as structural, functional, and spatial information, amino acid conservation, physicochemical variation, residue mobility, and thermodynamic stability) indicates that this missense variant is not expected to disrupt PDGFRA protein function with a negative predictive value of 80%. In summary, the available evidence is currently insufficient to determine the role of this variant in disease. Therefore, it has been classified as a Variant of Uncertain Significance.

Ambry Genetics
Classification: Likely benign for Hereditary cancer-predisposing syndrome. Last evaluated: 2024-08-20. Review status: criteria provided, single submitter. Criteria: Ambry Variant Classification Scheme 2023. Collection method: clinical testing. Allele origin: germline.